The following is an entry in ClinVar:

NM_001387011.1(AMBRA1):c.2073-5335C>T

Gene: AMBRA1 (autophagy and beclin 1 regulator 1; minus strand). Cytogenetic location: 11p11.2.
Variant type: single nucleotide variant.
Coding change: c.2073-5335C>T on transcript NM_001387011.1 (MANE Select); 5335 bases into the intron before coding-DNA position 2073, C replaced by T.
Molecular consequence: intron variant. On other transcripts: missense variant (1).
Genome position (GRCh38, 1-based): chr11:46,518,148, G>A on the plus strand (C>T on the coding strand, the complement: AMBRA1 is on the minus strand). VCF-style: chr11-46518148-G-A. GRCh37 (hg19) VCF-style: chr11-46539698-G-A.
Other names: c.2081C>T, p.Pro694Leu (NM_001267782.2); c.1803-5335C>T (NM_017749.3, NM_001367471.1); c.1266-5335C>T (NM_001367470.1); c.1802+23797C>T (NM_001367469.1); c.1803-9778C>T (NM_001267783.2); c.2073-5335C>T (NM_001300731.2, NM_001367468.1); short protein forms P694L.
Identifiers: ClinVar variation 3352513 (VCV003352513.1).

ClinVar aggregate classification (germline): Benign (0 of 4 stars; one submission).

Conditions:
AMBRA1-related disorder. Also called: AMBRA1-related condition.

gnomAD v4.1: 1,812 of 982,562 alleles (0.18%); highest among the groups gnomAD compares: African/African-American, 2.9%; 16 homozygotes.

Submission:

PreventionGenetics, part of Exact Sciences
Classification: Benign for AMBRA1-related condition. Last evaluated: 2024-03-12. Review status: no assertion criteria provided. Collection method: clinical testing. Allele origin: germline.
Comment: This variant is classified as benign based on ACMG/AMP sequence variant interpretation guidelines (Richards et al. 2015 PMID: 25741868, with internal and published modifications).